The following is an entry in ClinVar:

NM_001101.5(ACTB):c.1125C>T (p.Phe375=)

Gene: ACTB (actin beta; minus strand). Cytogenetic location: 7p22.1.
Variant type: single nucleotide variant.
Coding change: c.1125C>T on transcript NM_001101.5 (MANE Select); coding-DNA position 1125, C replaced by T.
Protein change: p.Phe375=; no amino-acid change (phenylalanine 375 retained).
Molecular consequence: synonymous variant.
Genome position (GRCh38, 1-based): chr7:5,527,751, G>A on the plus strand (C>T on the coding strand, the complement: ACTB is on the minus strand). VCF-style: chr7-5527751-G-A. GRCh37 (hg19) VCF-style: chr7-5567382-G-A.
Identifiers: ClinVar variation 1706977 (VCV001706977.3), dbSNP rs774373985, ClinGen allele CA4146831.

ClinVar aggregate classification (germline): Conflicting classifications of pathogenicity. Review status: criteria provided, conflicting classifications (1 of 4 stars). 2 submissions from 2 submitters: Uncertain significance (1); Likely benign (1). Last evaluated 2025-11-06.

Conditions:
Baraitser-Winter syndrome 1 (BRWS1). Also called: BARAITSER-WINTER SYNDROME 1, ATYPICAL; PACHYGYRIA, MENTAL RETARDATION, EPILEPSY, AND CHARACTERISTIC FACIES; MENTAL RETARDATION WITH EPILEPSY AND CHARACTERISTIC FACIES; Cerebrofrontofacial syndrome. Identifiers: Orphanet 2649, Orphanet 2995, MedGen C1855722, MONDO:0009470, OMIM 243310.

Allele frequency attached by ClinVar (database versions not stated): TOPMed below 0.00001; ExAC 0.00001; gnomAD exomes 0.00001.
gnomAD v4.1: 8 of 1,613,756 alleles (0.0005%); highest among the groups gnomAD compares: South Asian, 0.0066%; no homozygotes.

Submissions (2):

Labcorp Genetics (formerly Invitae), Labcorp
Classification: Likely benign for Baraitser-Winter syndrome 1. Last evaluated: 2025-11-06. Review status: criteria provided, single submitter. Criteria: Invitae Variant Classification Sherloc (09022015). Collection method: clinical testing. Allele origin: germline.

GeneDx
Classification: Uncertain significance. Last evaluated: 2022-03-20. Review status: criteria provided, single submitter. Criteria: GeneDx Variant Classification Process June 2021. Collection method: clinical testing. Allele origin: germline. Affected: yes.
Comment: In silico analysis supports that this variant does not alter splicing; Has not been previously published as pathogenic or benign to our knowledge